The following is an entry in ClinVar:

NM_000159.4(GCDH):c.1238A>G (p.Tyr413Cys)

Gene: GCDH (glutaryl-CoA dehydrogenase; plus strand). Cytogenetic location: 19p13.13.
Variant type: single nucleotide variant.
Coding change: c.1238A>G on transcript NM_000159.4 (MANE Select); coding-DNA position 1238, A replaced by G.
Protein change: p.Tyr413Cys; replaces tyrosine 413 with cysteine.
Molecular consequence: missense variant. On other transcripts: non-coding transcript variant (2).
Genome position (GRCh38, 1-based): chr19:12,897,858, A>G. VCF-style: chr19-12897858-A-G. GRCh37 (hg19) VCF-style: chr19-13008672-A-G.
Other names: c.1238A>G, p.Tyr413Cys (NM_013976.5); short protein forms Y413C.
Identifiers: ClinVar variation 2138252 (VCV002138252.4), dbSNP rs2512577883, ClinGen allele CA404321888.

ClinVar aggregate classification (germline): Pathogenic (1 of 4 stars; one submission).

Conditions:
Glutaric aciduria, type 1. Also called: GA I; Glutaricacidemia Type 1; Glutaric acidemia type I; Glutaryl-CoA dehydrogenase deficiency; Glutaricaciduria, type I; Glutaric Acidemia Type 1. Identifiers: Orphanet 25, MedGen C0268595, MONDO:0009281, OMIM 231670.

Submission:

Labcorp Genetics (formerly Invitae), Labcorp
Classification: Pathogenic for Glutaric aciduria, type 1. Last evaluated: 2022-04-12. Review status: criteria provided, single submitter. Criteria: Invitae Variant Classification Sherloc (09022015). Collection method: clinical testing. Allele origin: germline.
Comment: This variant disrupts the p.Tyr413 amino acid residue in GCDH. Other variant(s) that disrupt this residue have been observed in individuals with GCDH-related conditions (PMID: 21176883), which suggests that this may be a clinically significant amino acid residue. Advanced modeling of protein sequence and biophysical properties (such as structural, functional, and spatial information, amino acid conservation, physicochemical variation, residue mobility, and thermodynamic stability) performed at Invitae indicates that this missense variant is expected to disrupt GCDH protein function. This missense change has been observed in individual(s) with glutaric aciduria type I (PMID: 25762492). This variant is not present in population databases (gnomAD no frequency). This sequence change replaces tyrosine, which is neutral and polar, with cysteine, which is neutral and slightly polar, at codon 413 of the GCDH protein (p.Tyr413Cys). For these reasons, this variant has been classified as Pathogenic.

Literature cited by the submitters: PubMed 21176883; PubMed 25762492.